The following is an entry in ClinVar:

ClinVar aggregate classification (germline): Uncertain significance (1 of 4 stars; one submission).

Allele frequency attached by ClinVar (database versions not stated): gnomAD exomes below 0.00001.

Submission:

Labcorp Genetics (formerly Invitae), Labcorp
Classification: Uncertain significance. Last evaluated: 2023-12-09. Review status: criteria provided, single submitter. Criteria: Invitae Variant Classification Sherloc (09022015). Collection method: clinical testing. Allele origin: germline.
Comment: This sequence change replaces glutamic acid, which is acidic and polar, with lysine, which is basic and polar, at codon 547 of the KIF22 protein (p.Glu547Lys). This variant is not present in population databases (gnomAD no frequency). This variant has not been reported in the literature in individuals affected with KIF22-related conditions. Advanced modeling of protein sequence and biophysical properties (such as structural, functional, and spatial information, amino acid conservation, physicochemical variation, residue mobility, and thermodynamic stability) performed at Invitae indicates that this missense variant is not expected to disrupt KIF22 protein function with a negative predictive value of 80%. In summary, the available evidence is currently insufficient to determine the role of this variant in disease. Therefore, it has been classified as a Variant of Uncertain Significance.

NM_007317.3(KIF22):c.1639G>A (p.Glu547Lys)

Gene: KIF22 (kinesin family member 22; plus strand). Cytogenetic location: 16p11.2.
Variant type: single nucleotide variant.
Coding change: c.1639G>A on transcript NM_007317.3 (MANE Select); coding-DNA position 1639, G replaced by A.
Protein change: p.Glu547Lys; replaces glutamic acid 547 with lysine.
Molecular consequence: missense variant.
Genome position (GRCh38, 1-based): chr16:29,804,027, G>A. VCF-style: chr16-29804027-G-A. GRCh37 (hg19) VCF-style: chr16-29815348-G-A.
Other names: c.1435G>A, p.Glu479Lys (NM_001256269.2, NM_001256270.1); short protein forms E479K, E547K.
Identifiers: ClinVar variation 2790511 (VCV002790511.3), dbSNP rs1567362255, ClinGen allele CA395460598.